The following is an entry in ClinVar:

ClinVar aggregate classification (germline): Benign/Likely benign. Review status: criteria provided, multiple submitters, no conflicts (2 of 4 stars). 2 submissions from 2 submitters: Benign (1); Likely benign (1). Last evaluated 2025-02-17.

Conditions:
BAP1-related tumor predisposition syndrome (TPDS1). Also called: COMMON Syndrome; Tumor susceptibility linked to germline BAP1 mutations; TUMOR PREDISPOSITION SYNDROME 1; BAP1 tumor predisposition syndrome. Identifiers: Orphanet 289539, MedGen C3280492, MONDO:0013692, OMIM 614327.

gnomAD v4.1: 2 of 1,614,180 alleles (0.00012%); highest among the groups gnomAD compares: South Asian, 0.0011%; no homozygotes.

Submissions (2):

Labcorp Genetics (formerly Invitae), Labcorp
Classification: Likely benign for BAP1-related tumor predisposition syndrome. Last evaluated: 2025-02-17. Review status: criteria provided, single submitter. Criteria: Invitae Variant Classification Sherloc (09022015). Collection method: clinical testing. Allele origin: germline.

Myriad Genetics, Inc.
Classification: Benign for BAP1-related tumor predisposition syndrome. Last evaluated: 2024-07-17. Review status: criteria provided, single submitter. Criteria: Myriad Autosomal Dominant, Autosomal Recessive and X-Linked Classification Criteria (2023). Collection method: clinical testing. Allele origin: unknown.
Comment: This variant is considered benign. This variant is a silent/synonymous amino acid change and it is not expected to impact splicing.

NM_004656.4(BAP1):c.1812G>A (p.Val604=)

Gene: BAP1 (BRCA1 associated deubiquitinase 1; minus strand). Cytogenetic location: 3p21.1.
Variant type: single nucleotide variant.
Coding change: c.1812G>A on transcript NM_004656.4 (MANE Select); coding-DNA position 1812, G replaced by A.
Protein change: p.Val604=; no amino-acid change (valine 604 retained).
Molecular consequence: synonymous variant.
Genome position (GRCh38, 1-based): chr3:52,403,216, C>T on the plus strand (G>A on the coding strand, the complement: BAP1 is on the minus strand). VCF-style: chr3-52403216-C-T. GRCh37 (hg19) VCF-style: chr3-52437232-C-T.
Other names: c.1758G>A, p.Val586= (NM_001410772.1).
Identifiers: ClinVar variation 3379143 (VCV003379143.2).